The following is an entry in ClinVar:

NM_000083.3(CLCN1):c.2284+3G>A

Gene: CLCN1 (chloride voltage-gated channel 1; plus strand). Cytogenetic location: 7q34.
Variant type: single nucleotide variant.
Coding change: c.2284+3G>A on transcript NM_000083.3 (MANE Select); 3 bases into the intron after coding-DNA position 2284, G replaced by A.
Molecular consequence: intron variant.
Genome position (GRCh38, 1-based): chr7:143,346,254, G>A. VCF-style: chr7-143346254-G-A. GRCh37 (hg19) VCF-style: chr7-143043347-G-A.
Other names: c.2284+3G>A (NM_000083.2).
Identifiers: ClinVar variation 1512407 (VCV001512407.4), dbSNP rs755127390, ClinGen allele CA4537607.

ClinVar aggregate classification (germline): Uncertain significance. Review status: criteria provided, multiple submitters, no conflicts (2 of 4 stars). 2 submissions from 2 submitters: Uncertain significance (2). Last evaluated 2022-12-27.

Conditions:
Congenital myotonia, autosomal recessive form. Also called: Becker Generalized Myotonia; BECKER DISEASE; myotonia congenita, autosomal recessive. Identifiers: Orphanet 614, MedGen C0751360, MONDO:0009715, OMIM 255700.
Congenital myotonia, autosomal dominant form (THD). Also called: THOMSEN DISEASE; Myotonia congenita autosomal dominant. Identifiers: Orphanet 614, MedGen C2936781, MONDO:0008055, OMIM 160800.

Allele frequency attached by ClinVar (database versions not stated): gnomAD exomes below 0.00001 and 0.00004; gnomAD 0.00001; ExAC 0.00002; TOPMed 0.00002.
gnomAD v4.1: 56 of 1,596,934 alleles (0.0035%); highest among the groups gnomAD compares: Non-Finnish European, 0.0046%; no homozygotes.

Submissions (2):

Athena Diagnostics
Classification: Uncertain significance. Last evaluated: 2022-12-27. Review status: criteria provided, single submitter. Criteria: Athena Diagnostics Criteria. Collection method: clinical testing. Allele origin: unknown.
Comment: Available data are insufficient to determine the clinical significance of the variant at this time. The frequency of this variant in the general population is uninformative in assessment of its pathogenicity. Computational tools yielded predictions that this variant is unlikely to have an effect on normal RNA splicing.

Labcorp Genetics (formerly Invitae), Labcorp
Classification: Uncertain significance for Congenital myotonia, autosomal recessive form; Congenital myotonia, autosomal dominant form. Last evaluated: 2021-01-30. Review status: criteria provided, single submitter. Criteria: Invitae Variant Classification Sherloc (09022015). Collection method: clinical testing. Allele origin: germline.
Comment: This sequence change falls in intron 18 of the CLCN1 gene. It does not directly change the encoded amino acid sequence of the CLCN1 protein. It affects a nucleotide within the consensus splice site of the intron. This variant is present in population databases (rs755127390, ExAC 0.003%). This variant has not been reported in the literature in individuals with CLCN1-related conditions. Nucleotide substitutions within the consensus splice site are a relatively common cause of aberrant splicing (PMID: 17576681, 9536098). Algorithms developed to predict the effect of sequence changes on RNA splicing suggest that this variant may create or strengthen a splice site, but this prediction has not been confirmed by published transcriptional studies. In summary, the available evidence is currently insufficient to determine the role of this variant in disease. Therefore, it has been classified as a Variant of Uncertain Significance.

Literature cited by the submitters: PubMed 17576681 (cited by Labcorp Genetics (formerly Invitae), Labcorp); PubMed 9536098 (cited by Labcorp Genetics (formerly Invitae), Labcorp).